The following is an entry in ClinVar:

NM_001320.7(CSNK2B):c.88A>C (p.Ile30Leu)

Gene: CSNK2B (casein kinase 2 beta; plus strand). Cytogenetic location: 6p21.33.
Variant type: single nucleotide variant.
Coding change: c.88A>C on transcript NM_001320.7 (MANE Select); coding-DNA position 88, A replaced by C.
Protein change: p.Ile30Leu; replaces isoleucine 30 with leucine.
Molecular consequence: missense variant.
Genome position (GRCh38, 1-based): chr6:31,667,883, A>C. VCF-style: chr6-31667883-A-C. GRCh37 (hg19) VCF-style: chr6-31635660-A-C.
Other names: c.88A>C, p.Ile30Leu (NM_001282385.2); short protein forms I30L.
Identifiers: ClinVar variation 3906820 (VCV003906820.1).

ClinVar aggregate classification (germline): Uncertain significance (1 of 4 stars; one submission).

Submission:

GeneDx
Classification: Uncertain significance. Last evaluated: 2024-12-19. Review status: criteria provided, single submitter. Criteria: GeneDx Variant Classification Process June 2021. Collection method: clinical testing. Allele origin: germline. Affected: yes.
Comment: Not observed at significant frequency in large population cohorts (gnomAD); In silico analysis indicates that this missense variant does not alter protein structure/function; Has not been previously published as pathogenic or benign to our knowledge